The following is an entry in ClinVar:

ClinVar aggregate classification (germline): Pathogenic. Review status: criteria provided, multiple submitters, no conflicts (2 of 4 stars). 3 submissions from 3 submitters: Pathogenic (3). Last evaluated 2025-12-10.

Conditions:
Familial melanoma. Also called: Hereditary melanoma; Hereditary cutaneous melanoma. Identifiers: Orphanet 618, MedGen C1512419, MONDO:0018961.
Hereditary cancer-predisposing syndrome. Also called: Neoplastic Syndromes, Hereditary; Hereditary Cancer Syndrome; Tumor predisposition; Hereditary neoplastic syndrome. Identifiers: Orphanet 140162, MedGen C0027672, MeSH D009386, MONDO:0015356.
Melanoma-pancreatic cancer syndrome. Identifiers: Orphanet 404560, MedGen C1838547, MONDO:0011713, OMIM 606719. Disease mechanism: loss of function.

Submissions (3):

Ambry Genetics
Classification: Pathogenic for Hereditary cancer-predisposing syndrome. Last evaluated: 2025-12-10. Review status: criteria provided, single submitter. Criteria: Ambry Variant Classification Scheme 2023. Collection method: clinical testing. Allele origin: germline.
Comment: The p.W15* pathogenic mutation (also known as c.44G>A), located in coding exon 1 of the CDKN2A gene, results from a G to A substitution at nucleotide position 44. This changes the amino acid from a tryptophan to a stop codon within coding exon 1. This alteration has been previously described in two melanoma kindreds as well as a patient diagnosed with pancreatic cancer (FitzGerald MG et al. Proc. Natl. Acad. Sci. U.S.A. 1996 Aug;93:8541-5; Bishop DT et al. J. Natl. Cancer Inst. 2002 Jun;94:894-903; Yurgelun MB et al. Genet Med. 2019 01;21:213-223). This variant is considered to be rare based on population cohorts in the Genome Aggregation Database (gnomAD). In addition to the clinical data presented in the literature, this alteration is expected to result in loss of function by premature protein truncation or nonsense-mediated mRNA decay. As such, this alteration is interpreted as a disease-causing mutation.

Labcorp Genetics (formerly Invitae), Labcorp
Classification: Pathogenic for Familial melanoma. Last evaluated: 2025-08-31. Review status: criteria provided, single submitter. Criteria: Invitae Variant Classification Sherloc (09022015). Collection method: clinical testing. Allele origin: germline.
Comment: This sequence change creates a premature translational stop signal (p.Trp15*) in the CDKN2A (p16INK4a) gene. It is expected to result in an absent or disrupted protein product. Loss-of-function variants in CDKN2A (p16INK4a) are known to be pathogenic (PMID: 15146471, 16905682). This variant is not present in population databases (gnomAD no frequency). This premature translational stop signal has been observed in individual(s) with melanoma (PMID: 8710906, 10398427, 12072543, 15146471, 28830827). ClinVar contains an entry for this variant (Variation ID: 230421). For these reasons, this variant has been classified as Pathogenic.

Myriad Genetics, Inc.
Classification: Pathogenic for Melanoma-pancreatic cancer syndrome. Last evaluated: 2025-08-14. Review status: criteria provided, single submitter. Criteria: Myriad Autosomal Dominant, Autosomal Recessive and X-Linked Classification Criteria (2023). Collection method: clinical testing. Allele origin: unknown.
Comment: This variant is considered pathogenic. This variant creates a termination codon and is predicted to result in premature protein truncation.

Literature cited by the submitters: PubMed 12072543 (cited by Ambry Genetics and Labcorp Genetics (formerly Invitae), Labcorp); PubMed 29961768 (cited by Ambry Genetics); PubMed 8710906 (cited by Ambry Genetics and Labcorp Genetics (formerly Invitae), Labcorp); PubMed 15146471 (cited by Labcorp Genetics (formerly Invitae), Labcorp); PubMed 16905682 (cited by Labcorp Genetics (formerly Invitae), Labcorp); PubMed 10398427 (cited by Labcorp Genetics (formerly Invitae), Labcorp); PubMed 28830827 (cited by Labcorp Genetics (formerly Invitae), Labcorp).

NM_000077.5(CDKN2A):c.44G>A (p.Trp15Ter)

Gene: CDKN2A (cyclin dependent kinase inhibitor 2A; minus strand). Cytogenetic location: 9p21.3.
Variant type: single nucleotide variant.
Coding change: c.44G>A on transcript NM_000077.5; coding-DNA position 44, G replaced by A.
Protein change: p.Trp15Ter; replaces tryptophan 15 with a stop codon.
Molecular consequence: nonsense (on NM_000077.6). On other transcripts: intron variant (2).
Genome position (GRCh38, 1-based): chr9:21,974,784, C>T on the plus strand (G>A on the coding strand, the complement: CDKN2A is on the minus strand). VCF-style: chr9-21974784-C-T. GRCh37 (hg19) VCF-style: chr9-21974783-C-T.
Other names: c.44G>A, p.Trp15Ter (NM_000077.6, NM_001195132.2, NM_058197.5); c.-3-3576G>A (NM_001363763.2); c.194-3576G>A (NM_058195.4); short protein forms W15*.
Identifiers: ClinVar variation 230421 (VCV000230421.17), dbSNP rs876658556, ClinGen allele CA10578852.